The following is an entry in ClinVar:

ClinVar aggregate classification (germline): Uncertain significance (1 of 4 stars; one submission).

Allele frequency attached by ClinVar (database versions not stated): TOPMed below 0.00001.

Submission:

GeneDx
Classification: Uncertain significance. Last evaluated: 2024-09-06. Review status: criteria provided, single submitter. Criteria: GeneDx Variant Classification Process June 2021. Collection method: clinical testing. Allele origin: germline. Affected: yes.
Comment: Not observed at significant frequency in large population cohorts (gnomAD); In silico analysis supports that this missense variant has a deleterious effect on protein structure/function; Has not been previously published as pathogenic or benign to our knowledge

NM_024105.4(ALG12):c.1298T>A (p.Leu433His)

Gene: ALG12 (ALG12 alpha-1,6-mannosyltransferase; minus strand). Cytogenetic location: 22q13.33.
Variant type: single nucleotide variant.
Coding change: c.1298T>A on transcript NM_024105.4 (MANE Select); coding-DNA position 1298, T replaced by A.
Protein change: p.Leu433His; replaces leucine 433 with histidine.
Molecular consequence: missense variant.
Genome position (GRCh38, 1-based): chr22:49,904,007, A>T on the plus strand (T>A on the coding strand, the complement: ALG12 is on the minus strand). VCF-style: chr22-49904007-A-T. GRCh37 (hg19) VCF-style: chr22-50297655-A-T.
Other names: short protein forms L433H.
Identifiers: ClinVar variation 1809890 (VCV001809890.2), dbSNP rs2060528902, ClinGen allele CA412071717.
Genomic context (GRCh38, chr22:49,904,007, plus strand): 5'-CTGGCCAGGACCCGGTGTGTGTCCCTGTAGAGGGCCAGGAGCCCAGGGGCCGCCTCCATG[A>T]GGATGTGTGTGTATGCCAGCATGCCTGTCCCCGGCTGCACATCCTCCCTCTTGTCGTACC-3'
Protein context (NP_077010.1, residues 423-443): GTGMLAYTHI[Leu433His]MEAAPGLLAL